The following is an entry in ClinVar:

NM_152383.5(DIS3L2):c.*13G>A

Gene: DIS3L2 (DIS3 like 3'-5' exoribonuclease 2; plus strand). Cytogenetic location: 2q37.1.
Variant type: single nucleotide variant.
Coding change: c.*13G>A on transcript NM_152383.5 (MANE Select); 13 bases downstream of the stop codon, G replaced by A.
Molecular consequence: 3 prime UTR variant. On other transcripts: non-coding transcript variant (2), intron variant (1).
Genome position (GRCh38, 1-based): chr2:232,336,643, G>A. VCF-style: chr2-232336643-G-A. GRCh37 (hg19) VCF-style: chr2-233201353-G-A.
Other names: c.1582-6702G>A (NM_001257281.2).
Identifiers: ClinVar variation 334949 (VCV000334949.36), dbSNP rs200467865, ClinGen allele CA2164656.
Genomic context (GRCh38, chr2:232,336,643, plus strand): 5'-GAGGAGGAGGAGTCTGACGGTGAGCCCGAGGACTCAAGCACCAGCTGAGCTCCACCAGCC[G>A]CCTGCCCCGCCTGCCCCGCCTGCCTGTCCCGCCACACTGGCTTTAGGACCTGTTGACACG-3'

ClinVar aggregate classification (germline): Benign/Likely benign. Review status: criteria provided, multiple submitters, no conflicts (2 of 4 stars). 5 submissions from 5 submitters: Benign (3); Likely benign (2). Last evaluated 2026-09-01.

Conditions:
Perlman syndrome (PRLMNS). Identifiers: Orphanet 2849, MedGen C0796113, MONDO:0009965, OMIM 267000.

Allele frequency attached by ClinVar (database versions not stated): 1000 Genomes Project 0.00220; ESP Exome Variant Server 0.00234; TOPMed 0.00298; gnomAD 0.00301 and 0.00304; gnomAD exomes 0.00398; ExAC 0.00933.
gnomAD v4.1: 6,296 of 1,496,866 alleles (0.42%); highest among the groups gnomAD compares: East Asian, 0.58%; 21 homozygotes.

Submissions (5):

CeGaT Center for Human Genetics Tuebingen
Classification: Likely benign. Last evaluated: 2026-09-01. Review status: criteria provided, single submitter. Criteria: CeGaT Center For Human Genetics Tuebingen Variant Classification Criteria Version 2. Collection method: clinical testing. Allele origin: germline. Affected: yes. Observed: 40 variant alleles.
Comment: DIS3L2: BS2

Blueprint Genetics
Classification: Likely benign. Last evaluated: 2024-11-21. Review status: criteria provided, single submitter. Criteria: ACMG Guidelines, 2015. Collection method: clinical testing. Allele origin: germline.

Institute for Clinical Genetics, University Hospital TU Dresden, University Hospital TU Dresden
Classification: Benign. Last evaluated: 2021-11-03. Review status: criteria provided, single submitter. Criteria: ACMG Guidelines, 2015. Collection method: clinical testing. Allele origin: germline.

Illumina Laboratory Services, Illumina
Classification: Benign for Perlman syndrome. Last evaluated: 2018-01-12. Review status: criteria provided, single submitter. Criteria: ICSL Variant Classification Criteria 13 December 2019. Collection method: clinical testing. Allele origin: germline.
Comment: This variant was observed in the ICSL laboratory as part of a predisposition screen in an ostensibly healthy population. It had not been previously curated by ICSL or reported in the Human Gene Mutation Database (HGMD: prior to June 1st, 2018), and was therefore a candidate for classification through an automated scoring system. Utilizing variant allele frequency, disease prevalence and penetrance estimates, and inheritance mode, an automated score was calculated to assess if this variant is too frequent to cause the disease. Based on the score and internal cut-off values, a variant classified as benign is not then subjected to further curation. The score for this variant resulted in a classification of benign for this disease.

Breakthrough Genomics
Classification: Benign. Review status: criteria provided, single submitter. Criteria: ACMG Guidelines, 2015. Collection method: not provided. Allele origin: germline. Inheritance: Autosomal recessive inheritance. Affected: yes.